The following is an entry in ClinVar:

ClinVar aggregate classification (germline): Uncertain significance (1 of 4 stars; one submission).

Conditions:
Autosomal recessive distal spinal muscular atrophy 1. Also called: Spinal muscular atrophy with respiratory distress 1; HMN VI; NEURONOPATHY, DISTAL HEREDITARY MOTOR, HARDING TYPE VI; NEUROPATHY, DISTAL HEREDITARY MOTOR, AUTOSOMAL RECESSIVE 1; NEURONOPATHY, SEVERE INFANTILE AXONAL, WITH RESPIRATORY FAILURE; SEVERE INFANTILE AXONAL NEUROPATHY WITH RESPIRATORY FAILURE. Identifiers: Orphanet 98920, MedGen C1858517, MONDO:0011436, OMIM 604320.
Charcot-Marie-Tooth disease axonal type 2S. Also called: CHARCOT-MARIE-TOOTH NEUROPATHY, TYPE 2S; CHARCOT-MARIE-TOOTH DISEASE, AXONAL, AUTOSOMAL RECESSIVE, TYPE 2S. Identifiers: Orphanet 443073, MedGen C4015349, MONDO:0014511, OMIM 616155.

Submission:

Labcorp Genetics (formerly Invitae), Labcorp
Classification: Uncertain significance for Autosomal recessive distal spinal muscular atrophy 1; Charcot-Marie-Tooth disease axonal type 2S. Last evaluated: 2022-03-05. Review status: criteria provided, single submitter. Criteria: Invitae Variant Classification Sherloc (09022015). Collection method: clinical testing. Allele origin: germline.
Comment: This variant is not present in population databases (gnomAD no frequency). In summary, the available evidence is currently insufficient to determine the role of this variant in disease. Therefore, it has been classified as a Variant of Uncertain Significance. Advanced modeling of protein sequence and biophysical properties (such as structural, functional, and spatial information, amino acid conservation, physicochemical variation, residue mobility, and thermodynamic stability) performed at Invitae indicates that this missense variant is not expected to disrupt IGHMBP2 protein function. This variant has not been reported in the literature in individuals affected with IGHMBP2-related conditions. This sequence change replaces serine, which is neutral and polar, with phenylalanine, which is neutral and non-polar, at codon 174 of the IGHMBP2 protein (p.Ser174Phe).

NM_002180.3(IGHMBP2):c.521C>T (p.Ser174Phe)

Gene: IGHMBP2 (immunoglobulin mu DNA binding protein 2; plus strand). Cytogenetic location: 11q13.3.
Variant type: single nucleotide variant.
Coding change: c.521C>T on transcript NM_002180.3 (MANE Select); coding-DNA position 521, C replaced by T.
Protein change: p.Ser174Phe; replaces serine 174 with phenylalanine.
Molecular consequence: missense variant.
Genome position (GRCh38, 1-based): chr11:68,908,605, C>T. VCF-style: chr11-68908605-C-T. GRCh37 (hg19) VCF-style: chr11-68676073-C-T.
Other names: short protein forms S174F.
Identifiers: ClinVar variation 2095753 (VCV002095753.4), dbSNP rs2154006732, ClinGen allele CA381643565.
Genomic context (GRCh38, chr11:68,908,605, plus strand): 5'-CTCTAAAGAAGTATCATTCTGGCCCAGCCTCCTCACTCATAGAAGTGCTCTTTGGCAGAT[C>T]TGCTCCCAGTCCTGCCAGTGAAATACGTAAGAACTTCTGAGTTTTCTTTTTTGGTTGAAA-3'
Protein context (NP_002171.2, residues 164-184): SSLIEVLFGR[Ser174Phe]APSPASEIHP